The following is an entry in ClinVar:

NM_021120.4(DLG3):c.142A>G (p.Ser48Gly)

Gene: DLG3 (discs large MAGUK scaffold protein 3; plus strand). Cytogenetic location: Xq13.1.
Variant type: single nucleotide variant.
Coding change: c.142A>G on transcript NM_021120.4 (MANE Select); coding-DNA position 142, A replaced by G.
Protein change: p.Ser48Gly; replaces serine 48 with glycine.
Molecular consequence: missense variant.
Genome position (GRCh38, 1-based): chrX:70,445,343, A>G. VCF-style: chrX-70445343-A-G. GRCh37 (hg19) VCF-style: chrX-69665193-A-G.
Other names: short protein forms S48G.
Identifiers: ClinVar variation 5041238 (VCV005041238.1).
Genomic context (GRCh38, chrX:70,445,343, plus strand): 5'-CCGGGCTACGGCGACTGGCAAGTCCCCGACCCTTACGGGCCAGGTGGGGGCAACGGCGCC[A>G]GCGCGGGTTATGGGGGCTACAGCTCGCAGACCTTGCCCTCGCAGGCGGGGGCCACCCCCA-3'
Protein context (NP_066943.2, residues 38-58): PYGPGGGNGA[Ser48Gly]AGYGGYSSQT

ClinVar aggregate classification (germline): Likely benign (1 of 4 stars; one submission).

gnomAD v4.1: 26 of 1,170,428 alleles (0.0022%); highest among the groups gnomAD compares: Non-Finnish European, 0.0029%; no homozygotes.

Submission:

CeGaT Center for Human Genetics Tuebingen
Classification: Likely benign. Last evaluated: 2026-09-01. Review status: criteria provided, single submitter. Criteria: CeGaT Center For Human Genetics Tuebingen Variant Classification Criteria Version 2. Collection method: clinical testing. Allele origin: germline. Affected: yes. Observed: 1 variant allele.
Comment: DLG3: BS2